The following is an entry in ClinVar:

ClinVar aggregate classification (germline): Likely pathogenic (1 of 4 stars; one submission).

Conditions:
Autosomal recessive limb-girdle muscular dystrophy type 2B (LGMDR2). Also called: MUSCULAR DYSTROPHY, LIMB-GIRDLE, TYPE 3; MUSCULAR DYSTROPHY, LIMB-GIRDLE, AUTOSOMAL RECESSIVE 2; Limb-Girdle Muscular Dystrophy Type 2B (LGMD2B); Limb-girdle muscular dystrophy, type 2B. Identifiers: Orphanet 268, MedGen C1850889, MONDO:0009676, OMIM 253601.

Submission:

Natera, Inc.
Classification: Likely pathogenic for Limb-girdle muscular dystrophy type 2B. Last evaluated: 2024-04-08. Review status: criteria provided, single submitter. Criteria: Natera Variant Classification Schema (03/2026). Collection method: clinical testing. Allele origin: germline.
Comment: The c.1573delC variant in DYSF is a frameshift variant predicted to shift the reading frame beginning at codon 525 and leads to a stop codon 102 codons downstream. This variant is expected to result in nonsense mediated decay, truncation, or a dysfunctional protein product. This variant is rare in the general population with a frequency below the threshold expected for the associated phenotype(s). Given the available evidence, this variant is classified as Likely Pathogenic.

NM_001130987.2(DYSF):c.1627del (p.Leu543fs)

Gene: DYSF (dysferlin; plus strand). Cytogenetic location: 2p13.2.
Variant type: Deletion.
Coding change: c.1627del on transcript NM_001130987.2 (MANE Select); coding-DNA position 1627, one base deleted (C; older notation c.1627delC).
Protein change: p.Leu543fs; shifts the reading frame from leucine 543.
Molecular consequence: frameshift variant.
Genome position (GRCh38, 1-based): chr2:71,551,091, C deleted; the last of 2 consecutive C bases (chr2:71,551,090-71,551,091); deleting either gives the same sequence. VCF-style (leftmost placement, unchanged base first): chr2-71551089-AC-A. GRCh37 (hg19) VCF-style: chr2-71778219-AC-A.
Other names: c.1576del, p.Leu526fs (NM_001130455.2, NM_001130983.2); c.1531del, p.Leu511fs (NM_001130976.2, NM_001130977.2); c.1573del, p.Leu525fs (NM_001130978.2, NM_003494.4); c.1666del, p.Leu556fs (NM_001130979.2); c.1624del, p.Leu542fs (NM_001130980.2, NM_001130981.2); c.1669del, p.Leu557fs (NM_001130982.2); c.1534del, p.Leu512fs (NM_001130984.2, NM_001130986.2); c.1627del, p.Leu543fs (NM_001130985.2); short protein forms L511fs, L512fs, L525fs, L526fs, L542fs, L543fs, L556fs, L557fs.
Identifiers: ClinVar variation 4815128 (VCV004815128.1).
Genomic context (GRCh38, chr2:71,551,089, plus strand): 5'-TGTGTCTCCCAGTGGATGACTACCTGGGCTTCCTCCCCACTTTTGGGCCCTGCTACATCA[AC>A]CTCTATGGCAGTCCCAGAGAGTTCACAGGCTTCCCAGACCCCTACACAGAGCTCAACACA-3'